The following is an entry in ClinVar:

ClinVar aggregate classification (germline): Pathogenic/Likely pathogenic. Review status: criteria provided, multiple submitters, no conflicts (2 of 4 stars). 8 submissions from 7 submitters: Pathogenic (5); Likely pathogenic (1). 2 of the submissions do not count toward it. Last evaluated 2026-07-13.

Conditions:
46,XX sex reversal 4 (SRXX4). Also called: 46, XX sex reversal 4; 46,XX SEX REVERSAL, SRY-NEGATIVE. Identifiers: MedGen C4479552, MONDO:0060489, OMIM 617480.
46 XY differences of sex development. Also called: 46, XY disorder of sex development (DSD); 46,XY disorder of sex development. Identifiers: Orphanet 98085, MedGen C2751824, MONDO:0020040.
Oligosynaptic infertility (SPGF1). Also called: OLIGOCHIASMATIC INFERTILITY; SPERMATOGENIC FAILURE 1. Identifiers: MedGen C0403810, MONDO:0009776, OMIM 258150.
NR5A1-related disorder. Also called: NR5A1-related condition.
46,XY sex reversal 3. Also called: 46,XY GONADAL DYSGENESIS, PARTIAL OR COMPLETE, WITH OR WITHOUT ADRENAL FAILURE; DISORDER OF SEX DEVELOPMENT, 46,XY, NR5A1-RELATED; NR5A1-related 46,XY complete gonadal dysgenesis; SEX REVERSAL, XY, WITH OR WITHOUT ADRENAL FAILURE; 46,XY SEX REVERSAL, PARTIAL OR COMPLETE, NR5A1-RELATED. Identifiers: MedGen C3489793, MONDO:0013066, OMIM 612965.

Submissions (8):

Undiagnosed Diseases Network, NIH
Classification: Pathogenic for 46,XX sex reversal 4. Last evaluated: 2026-07-13. Review status: criteria provided, single submitter. Criteria: ACMG Guidelines, 2015. Collection method: clinical testing. Allele origin: de novo. Inheritance: Sex-limited autosomal dominant. Affected: yes. Observed: 1 heterozygote. Study: Undiagnosed Diseases Network (NIH), UDN.

Labcorp Genetics (formerly Invitae), Labcorp
Classification: Pathogenic for 46 XY differences of sex development; Oligosynaptic infertility. Last evaluated: 2025-07-08. Review status: criteria provided, single submitter. Criteria: Invitae Variant Classification Sherloc (09022015). Collection method: clinical testing. Allele origin: germline.
Comment: This sequence change replaces arginine, which is basic and polar, with tryptophan, which is neutral and slightly polar, at codon 92 of the NR5A1 protein (p.Arg92Trp). This variant is not present in population databases (gnomAD no frequency). This missense change has been observed in individual(s) with NR5A1-related conditions (PMID: 27378692, 27490115, 28033660). In at least one individual the variant was observed to be de novo. It has also been observed to segregate with disease in related individuals. ClinVar contains an entry for this variant (Variation ID: 265792). Invitae Evidence Modeling of protein sequence and biophysical properties (such as structural, functional, and spatial information, amino acid conservation, physicochemical variation, residue mobility, and thermodynamic stability) indicates that this missense variant is expected to disrupt NR5A1 protein function with a positive predictive value of 95%. Experimental studies have shown that this missense change affects NR5A1 function (PMID: 27378692). For these reasons, this variant has been classified as Pathogenic.

GeneDx
Classification: Pathogenic. Last evaluated: 2023-10-06. Review status: criteria provided, single submitter. Criteria: GeneDx Variant Classification Process June 2021. Collection method: clinical testing. Allele origin: germline. Affected: yes.
Comment: Not observed at significant frequency in large population cohorts (gnomAD); In silico analysis supports that this missense variant has a deleterious effect on protein structure/function; This variant is associated with the following publications: (PMID: 28033660, 27855412, 30425642, 29393271, 32271476, 27378692, 27610946, 27490115, 30350900, 27833742, 30739115)

Blueprint Genetics
Classification: Pathogenic for NR5A1-related disorders. Last evaluated: 2020-11-20. Review status: criteria provided, single submitter. Criteria: ACMG Guidelines, 2015. Collection method: clinical testing. Allele origin: germline. Affected: yes. Observed: 1 variant allele.

Genetic Services Laboratory, University of Chicago
Classification: Pathogenic. Last evaluated: 2017-08-04. Review status: criteria provided, single submitter. Criteria: ACMG Guidelines, 2015. Collection method: clinical testing. Allele origin: germline. Affected: yes.

Shenzhen Institute of Pediatrics, Shenzhen Children's Hospital
Classification: Likely pathogenic for 46,XY sex reversal 3. Last evaluated: 2016-09-30. Review status: criteria provided, single submitter. Criteria: ACMG Guidelines, 2015. Collection method: clinical testing. Allele origin: unknown. Inheritance: Autosomal dominant inheritance. Affected: yes. Observed: 1 variant allele, 1 heterozygote.

OMIM
Classification: Pathogenic for 46,XX SEX REVERSAL 4. Last evaluated: 2021-04-23. Review status: no assertion criteria provided. Collection method: literature only. Allele origin: germline. Not counted in ClinVar's aggregate classification.

OMIM
Classification: Pathogenic for 46,XY SEX REVERSAL 3. Last evaluated: 2021-04-23. Review status: no assertion criteria provided. Collection method: literature only. Allele origin: germline. Not counted in ClinVar's aggregate classification.

Literature cited by the submitters: PubMed 27378692 (cited by 3 submitters); PubMed 27490115 (cited by Labcorp Genetics (formerly Invitae), Labcorp and OMIM); PubMed 28033660 (cited by Labcorp Genetics (formerly Invitae), Labcorp); PubMed 27610946 (cited by OMIM).

NM_004959.5(NR5A1):c.274C>T (p.Arg92Trp)

Gene: NR5A1 (nuclear receptor subfamily 5 group A member 1; minus strand). Cytogenetic location: 9q33.3.
Variant type: single nucleotide variant.
Coding change: c.274C>T on transcript NM_004959.5 (MANE Select); coding-DNA position 274, C replaced by T.
Protein change: p.Arg92Trp; replaces arginine 92 with tryptophan.
Molecular consequence: missense variant.
Genome position (GRCh38, 1-based): chr9:124,500,686, G>A on the plus strand (C>T on the coding strand, the complement: NR5A1 is on the minus strand). VCF-style: chr9-124500686-G-A. GRCh37 (hg19) VCF-style: chr9-127262965-G-A.
Other names: short protein forms R92W.
Identifiers: ClinVar variation 265792 (VCV000265792.18), dbSNP rs886039769, ClinGen allele CA10588831.